The following is an entry in ClinVar:

NM_004958.4(MTOR):c.5906C>T (p.Pro1969Leu)

Gene: MTOR (mechanistic target of rapamycin kinase; minus strand). Cytogenetic location: 1p36.22.
Variant type: single nucleotide variant.
Coding change: c.5906C>T on transcript NM_004958.4 (MANE Select); coding-DNA position 5906, C replaced by T.
Protein change: p.Pro1969Leu; replaces proline 1969 with leucine.
Molecular consequence: missense variant.
Genome position (GRCh38, 1-based): chr1:11,128,458, G>A on the plus strand (C>T on the coding strand, the complement: MTOR is on the minus strand). VCF-style: chr1-11128458-G-A. GRCh37 (hg19) VCF-style: chr1-11188515-G-A.
Other names: c.5906C>T, p.Pro1969Leu (NM_001386500.1); c.4658C>T, p.Pro1553Leu (NM_001386501.1); short protein forms P1553L, P1969L.
Identifiers: ClinVar variation 5020111 (VCV005020111.1).
Genomic context (GRCh38, chr1:11,128,458, plus strand): 5'-AAGGCTGACCACCAAACCAGTGGTTAGATGAGAAACTGCCCAGAGTCTCCACATACCTGG[G>A]GGTGGTACCGACCAATGTCTGTGAGAAGCTGGTGAATGAGACGTCCCACCAAGGGTCTGG-3'
Protein context (NP_004949.1, residues 1959-1979): QLLTDIGRYH[Pro1969Leu]QALIYPLTVA

ClinVar aggregate classification (germline): Uncertain significance (1 of 4 stars; one submission).

Submission:

Dasa
Classification: Uncertain significance. Last evaluated: 2026-08-13. Review status: criteria provided, single submitter. Criteria: DASA Assertion Criteria. Collection method: clinical testing. Allele origin: germline.
Comment: NM_004958.4(MTOR):c.5906C>T (p.Pro1969Leu) is a missense variant that results in the substitution of proline with leucine. The affected residue or protein region has prior evidence supporting clinical relevance. This variant is absent from population databases. The currently available literature and clinical evidence are not sufficient to establish a definitive association between this variant and the reported condition. Therefore, this variant is classified as a variant of uncertain significance.